The following is an entry in ClinVar:

NM_000426.4(LAMA2):c.77AGC[4] (p.Gln28dup)

Gene: LAMA2 (laminin subunit alpha 2; plus strand). Cytogenetic location: 6q22.33.
Variant type: Microsatellite.
Coding change: c.77AGC[4] on transcript NM_000426.4 (MANE Select); four copies in a row of the 3-base unit AGC starting at c.77; the reference has three copies in a row; one copy, 3 bases duplicated; also written c.83_85dup.
Protein change: p.Gln28dup; duplicates glutamine 28.
Molecular consequence: inframe insertion.
Genome position (GRCh38, 1-based): chr6:128,883,328-128,883,330, AGC duplicated; duplicating any 3 consecutive bases within chr6:128,883,320-128,883,330 gives the same sequence; the position shown is the placement nearest the transcript's 3' end. VCF-style (leftmost placement, unchanged base first): chr6-128883319-C-CGCA. GRCh37 (hg19) VCF-style: chr6-129204464-C-CGCA.
Other names: c.83_85dup (NM_000426.3); c.77AGC[4], p.Gln28dup (NM_001079823.2).
Identifiers: ClinVar variation 557960 (VCV000557960.12), dbSNP rs1554312698, ClinGen allele CA658823178.

ClinVar aggregate classification (germline): Uncertain significance. Review status: criteria provided, single submitter (1 of 4 stars). 2 submissions from 2 submitters: Uncertain significance (1). 1 of the submissions does not count toward it. Last evaluated 2019-02-18.

Conditions:
LAMA2-related muscular dystrophy (LAMA2-RD). Also called: Laminin alpha 2-related dystrophy. Identifiers: MedGen C5679788, MONDO:0100228.
Merosin deficient congenital muscular dystrophy (MDC1A). Also called: Congenital merosin-deficient muscular dystrophy 1A; Congenital Muscular Dystrophy Type 1A (MDC1A). Identifiers: Orphanet 258, MedGen C1263858, MONDO:0011925, OMIM 607855.

Submissions (2):

Labcorp Genetics (formerly Invitae), Labcorp
Classification: Uncertain significance for LAMA2-related muscular dystrophy. Last evaluated: 2019-02-18. Review status: criteria provided, single submitter. Criteria: Invitae Variant Classification Sherloc (09022015). Collection method: clinical testing. Allele origin: germline.
Comment: This variant, c.83_85dup, results in the insertion of 1 amino acid(s) to the LAMA2 protein (p.Gln28dup), but otherwise preserves the integrity of the reading frame. This variant is not present in population databases (ExAC no frequency). This variant has not been reported in the literature in individuals with LAMA2-related conditions. ClinVar contains an entry for this variant (Variation ID: 557960). Experimental studies and prediction algorithms are not available for this variant, and the functional significance of the affected amino acid(s) is currently unknown. In summary, the available evidence is currently insufficient to determine the role of this variant in disease. Therefore, it has been classified as a Variant of Uncertain Significance.

Counsyl
Classification: Uncertain significance for Merosin deficient congenital muscular dystrophy. Last evaluated: 2018-04-19. Review status: no assertion criteria provided. Collection method: clinical testing. Allele origin: unknown. Not counted in ClinVar's aggregate classification.